The following is an entry in ClinVar:

NM_000059.4(BRCA2):c.8332-2438C>T

Gene: BRCA2 (BRCA2 DNA repair associated; plus strand). Cytogenetic location: 13q13.1.
Variant type: single nucleotide variant.
Coding change: c.8332-2438C>T on transcript NM_000059.4 (MANE Select); 2438 bases into the intron before coding-DNA position 8332, C replaced by T.
Molecular consequence: intron variant.
Genome position (GRCh38, 1-based): chr13:32,367,964, C>T. VCF-style: chr13-32367964-C-T. GRCh37 (hg19) VCF-style: chr13-32942101-C-T.
Other names: IVS 18-2438C>T.
Identifiers: ClinVar variation 209800 (VCV000209800.1), dbSNP rs139834007, ClinGen allele CA276768.
Genomic context (GRCh38, chr13:32,367,964, plus strand): 5'-TTTCTGTTTATAAAAATGTTTCAACAAATAAGGAATAATAGAATTAAAATATAACCATTT[C>T]GCAACCCTCAAATTAGGGTTGTCTTTTCTTCTAATTCTTTTTTTTTTTTTTTTTTTTTTT-3'

ClinVar aggregate classification (germline): Benign (3 of 4 stars; one submission).

Conditions:
Breast-ovarian cancer, familial, susceptibility to, 2 (BROVCA2). Also called: BRCA2 Hereditary Breast and Ovarian Cancer. Identifiers: Orphanet 145, MedGen C2675520, MONDO:0012933, OMIM 612555. Disease mechanism: loss of function.

Allele frequency attached by ClinVar (database versions not stated): 1000 Genomes Project 30x 0.00562; 1000 Genomes Project 0.00579; gnomAD 0.00919 and 0.00932; TOPMed 0.01022.
gnomAD v4.1: 1,335 of 144,350 alleles (0.92%); highest among the groups gnomAD compares: Non-Finnish European, 1.4%; 12 homozygotes.

Submission:

Evidence-based Network for the Interpretation of Germline Mutant Alleles (ENIGMA)
Classification: Benign for Breast-ovarian cancer, familial 2. Last evaluated: 2015-01-12. Review status: reviewed by expert panel. Criteria: ENIGMA BRCA1/2 Classification Criteria (2015). Collection method: curation. Allele origin: germline.
Comment: Class 1 not pathogenic based on frequency >1% in an outbred sampleset. Frequency 0.02375 (European), derived from 1000 genomes (2012-04-30).